The following is an entry in ClinVar:

ClinVar aggregate classification (germline): Conflicting classifications of pathogenicity. Review status: criteria provided, conflicting classifications (1 of 4 stars). 4 submissions from 4 submitters: Likely pathogenic (2); Uncertain significance (1). 1 of the submissions does not count toward it. Last evaluated 2025-07-02.

Conditions:
Autosomal recessive limb-girdle muscular dystrophy type 2D (LGMDR3). Also called: MUSCULAR DYSTROPHY, LIMB-GIRDLE, AUTOSOMAL RECESSIVE 3; DUCHENNE-LIKE AUTOSOMAL RECESSIVE MUSCULAR DYSTROPHY, TYPE 2; ADHALINOPATHY, PRIMARY. Identifiers: Orphanet 62, MedGen C2936332, MONDO:0011968, OMIM 608099. Disease mechanism: Affects gamma-sarcoglycan and also disrupts the integrity of the entire sarcoglycan complex..

Submissions (4):

Women's Health and Genetics/Laboratory Corporation of America, LabCorp
Classification: Uncertain significance. Last evaluated: 2025-07-02. Review status: criteria provided, single submitter. Criteria: LabCorp Variant Classification Summary - May 2015. Collection method: clinical testing. Allele origin: germline.
Comment: Variant summary: SGCA c.614C>T (p.Pro205Leu) results in a non-conservative amino acid change in the encoded protein sequence. Algorithms developed to predict the effect of missense changes on protein structure and function all suggest that this variant is likely to be disruptive. The variant allele was found at a frequency of 4e-06 in 251216 control chromosomes. The available data on variant occurrences in the general population are insufficient to allow any conclusion about variant significance. To our knowledge, no occurrence of c.614C>T in individuals affected with Limb-Girdle Muscular Dystrophy, Autosomal Recessive and no experimental evidence demonstrating its impact on protein function have been reported. A different variant affecting the same codon has been classified as likely pathogenic/pathogenic by our lab (c.614C>A, p.Pro205His), however additional evidence is needed to make unequivocal conclusions about this variant. ClinVar contains an entry for this variant (Variation ID: 423721). Based on the evidence outlined above, the variant was classified as uncertain significance.

Labcorp Genetics (formerly Invitae), Labcorp
Classification: Likely pathogenic for Autosomal recessive limb-girdle muscular dystrophy type 2D. Last evaluated: 2023-07-13. Review status: criteria provided, single submitter. Criteria: Invitae Variant Classification Sherloc (09022015). Collection method: clinical testing. Allele origin: germline.
Comment: Advanced modeling of protein sequence and biophysical properties (such as structural, functional, and spatial information, amino acid conservation, physicochemical variation, residue mobility, and thermodynamic stability) performed at Invitae indicates that this missense variant is expected to disrupt SGCA protein function. ClinVar contains an entry for this variant (Variation ID: 423721). This variant has not been reported in the literature in individuals affected with SGCA-related conditions. This variant disrupts the p.Pro205 amino acid residue in SGCA. Other variant(s) that disrupt this residue have been determined to be pathogenic (PMID: 9032047, 18996010; Invitae). This suggests that this residue is clinically significant, and that variants that disrupt this residue are likely to be disease-causing. Algorithms developed to predict the effect of sequence changes on RNA splicing suggest that this variant may disrupt the consensus splice site. This variant is present in population databases (rs757481230, gnomAD 0.003%). This sequence change replaces proline, which is neutral and non-polar, with leucine, which is neutral and non-polar, at codon 205 of the SGCA protein (p.Pro205Leu). In summary, the currently available evidence indicates that the variant is pathogenic, but additional data are needed to prove that conclusively. Therefore, this variant has been classified as Likely Pathogenic.

GeneDx
Classification: Likely pathogenic. Last evaluated: 2017-11-24. Review status: criteria provided, single submitter. Criteria: GeneDx Variant Classification (06012015). Collection method: clinical testing. Allele origin: germline. Affected: yes.
Comment: The c.614 C>T variant has not been published as a pathogenic variant, nor has it been reported as a benign variant to our knowledge. The c.614 C>T variant is not observed at a significant frequency in large population cohorts (Lek et al., 2016; 1000 Genomes Consortium et al., 2015; Exome Variant Server). Multiple in-silico splice prediction models predict that c.614 C>T strengthens a cryptic splice acceptor site which may supplant the natural acceptor site and lead to abnormal gene splicing. However, in the absence of RNA/functional studies the actual effect of c.614 C>T on splicing in this individual is unknown. If c.614 C>T does not alter splicing, it will result in the P205L missense change. The P205L variant is a semi-conservative amino acid substitution, which may impact secondary protein structure as these residues differ in some properties. This substitution occurs at a position that is conserved in mammals, and a missense variant at the same position (P205H) has been previously reported in an individual with limb-girdle muscular dystrophy (Duggan et al., 1997). In silico analysis predicts this variant is probably damaging to the protein structure/function.

Counsyl
Classification: Uncertain significance for Autosomal recessive limb-girdle muscular dystrophy type 2D. Last evaluated: 2019-01-09. Review status: no assertion criteria provided. Collection method: clinical testing. Allele origin: unknown. Not counted in ClinVar's aggregate classification.

Literature cited by the submitters: PubMed 9032047 (cited by Labcorp Genetics (formerly Invitae), Labcorp); PubMed 18996010 (cited by Labcorp Genetics (formerly Invitae), Labcorp).

NM_000023.4(SGCA):c.614C>T (p.Pro205Leu)

Gene: SGCA (sarcoglycan alpha; plus strand). Cytogenetic location: 17q21.33.
Variant type: single nucleotide variant.
Coding change: c.614C>T on transcript NM_000023.4 (MANE Select); coding-DNA position 614, C replaced by T.
Protein change: p.Pro205Leu; replaces proline 205 with leucine.
Molecular consequence: missense variant. On other transcripts: non-coding transcript variant (1), intron variant (1).
Genome position (GRCh38, 1-based): chr17:50,169,121, C>T. VCF-style: chr17-50169121-C-T. GRCh37 (hg19) VCF-style: chr17-48246482-C-T.
Other names: c.584+549C>T (NM_001135697.3); short protein forms P205L.
Identifiers: ClinVar variation 423721 (VCV000423721.12), dbSNP rs757481230, ClinGen allele CA8643852.